The following is an entry in ClinVar:

NM_001378454.1(ALMS1):c.9826A>G (p.Met3276Val)

Gene: ALMS1 (ALMS1 centrosome and basal body associated protein; plus strand). Cytogenetic location: 2p13.1.
Variant type: single nucleotide variant.
Coding change: c.9826A>G on transcript NM_001378454.1 (MANE Select); coding-DNA position 9826, A replaced by G.
Protein change: p.Met3276Val; replaces methionine 3276 with valine.
Molecular consequence: missense variant.
Genome position (GRCh38, 1-based): chr2:73,534,868, A>G. VCF-style: chr2-73534868-A-G. GRCh37 (hg19) VCF-style: chr2-73761995-A-G.
Other names: c.9829A>G, p.Met3277Val (NM_015120.4); short protein forms M3276V, M3277V.
Identifiers: ClinVar variation 2126889 (VCV002126889.4), dbSNP rs2466340110, ClinGen allele CA347263640.

ClinVar aggregate classification (germline): Uncertain significance (1 of 4 stars; one submission).

Conditions:
Alstrom syndrome (ALMS). Identifiers: Orphanet 64, MedGen C0268425, MONDO:0008763, OMIM 203800.

Submission:

Labcorp Genetics (formerly Invitae), Labcorp
Classification: Uncertain significance for Alstrom syndrome. Last evaluated: 2022-04-16. Review status: criteria provided, single submitter. Criteria: Invitae Variant Classification Sherloc (09022015). Collection method: clinical testing. Allele origin: germline.
Comment: This variant is not present in population databases (gnomAD no frequency). This sequence change replaces methionine, which is neutral and non-polar, with valine, which is neutral and non-polar, at codon 3277 of the ALMS1 protein (p.Met3277Val). This variant has not been reported in the literature in individuals affected with ALMS1-related conditions. In summary, the available evidence is currently insufficient to determine the role of this variant in disease. Therefore, it has been classified as a Variant of Uncertain Significance. Experimental studies and prediction algorithms are not available or were not evaluated, and the functional significance of this variant is currently unknown.